The following is an entry in ClinVar:

ClinVar aggregate classification (germline): Uncertain significance (1 of 4 stars; one submission).

Submission:

Labcorp Genetics (formerly Invitae), Labcorp
Classification: Uncertain significance. Last evaluated: 2024-10-26. Review status: criteria provided, single submitter. Criteria: Invitae Variant Classification Sherloc (09022015). Collection method: clinical testing. Allele origin: germline.
Comment: This sequence change replaces lysine, which is basic and polar, with methionine, which is neutral and non-polar, at codon 577 of the LPIN1 protein (p.Lys577Met). This variant is present in population databases (no rsID available, gnomAD 0.007%). This variant has not been reported in the literature in individuals affected with LPIN1-related conditions. ClinVar contains an entry for this variant (Variation ID: 1954234). An algorithm developed to predict the effect of missense changes on protein structure and function (PolyPhen-2) suggests that this variant is likely to be disruptive. In summary, the available evidence is currently insufficient to determine the role of this variant in disease. Therefore, it has been classified as a Variant of Uncertain Significance.

NM_001349206.2(LPIN1):c.1838A>T (p.Lys613Met)

Gene: LPIN1 (lipin 1; plus strand). Cytogenetic location: 2p25.1.
Variant type: single nucleotide variant.
Coding change: c.1838A>T on transcript NM_001349206.2 (MANE Select); coding-DNA position 1838, A replaced by T.
Protein change: p.Lys613Met; replaces lysine 613 with methionine.
Molecular consequence: missense variant. On other transcripts: non-coding transcript variant (1).
Genome position (GRCh38, 1-based): chr2:11,795,439, A>T. VCF-style: chr2-11795439-A-T. GRCh37 (hg19) VCF-style: chr2-11935565-A-T.
Other names: c.1748A>T, p.Lys583Met (NM_001261427.3); c.1985A>T, p.Lys662Met (NM_001261428.3); c.1730A>T, p.Lys577Met (NM_001349199.2, NM_145693.4); c.1808A>T, p.Lys603Met (NM_001349200.2, NM_001349201.2); c.1835A>T, p.Lys612Met (NM_001349202.2, NM_001349203.2); c.1838A>T, p.Lys613Met (NM_001349204.2, NM_001349205.2); c.1928A>T, p.Lys643Met (NM_001349207.2); c.1877A>T, p.Lys626Met (NM_001349208.2); short protein forms K603M, K612M, K613M, K626M, K662M, K577M, K583M, K643M.
Identifiers: ClinVar variation 1954234 (VCV001954234.5), dbSNP rs1267767487, ClinGen allele CA345851731.